The following is an entry in ClinVar:

NM_020070.4(IGLL1):c.458G>T (p.Gly153Val)

Gene: IGLL1 (immunoglobulin lambda like polypeptide 1; minus strand). Cytogenetic location: 22q11.23.
Variant type: single nucleotide variant.
Coding change: c.458G>T on transcript NM_020070.4 (MANE Select); coding-DNA position 458, G replaced by T.
Protein change: p.Gly153Val; replaces glycine 153 with valine.
Molecular consequence: missense variant. On other transcripts: 3 prime UTR variant (1).
Genome position (GRCh38, 1-based): chr22:23,573,450, C>A on the plus strand (G>T on the coding strand, the complement: IGLL1 is on the minus strand). VCF-style: chr22-23573450-C-A. GRCh37 (hg19) VCF-style: chr22-23915637-C-A.
Other names: c.458G>T (NM_020070.2); c.461G>T, p.Gly154Val (NM_001369906.1); c.*87G>T (NM_152855.3); short protein forms G153V, G154V.
Identifiers: ClinVar variation 572836 (VCV000572836.14), dbSNP rs138007109, ClinGen allele CA10143267.
Genomic context (GRCh38, chr22:23,573,450, plus strand): 5'-TACTTGTTGTTGCTCTGTTTGGAGGGCGTGGTCATCTCCACGCCCTGGGTGATGGGGGTA[C>A]CATCTGCCTTCCAGGTCACCGTCAAGATTCCCGGATAAAAGTCATTCATGAGACACACCA-3'
Protein context (NP_064455.1, residues 143-163): GILTVTWKAD[Gly153Val]TPITQGVEMT

ClinVar aggregate classification (germline): Uncertain significance. Review status: criteria provided, multiple submitters, no conflicts (2 of 4 stars). 2 submissions from 2 submitters: Uncertain significance (2). Last evaluated 2025-10-13.

Conditions:
Agammaglobulinemia 2, autosomal recessive (AGM2). Also called: AGAMMAGLOBULINEMIA, AUTOSOMAL RECESSIVE, DUE TO IGLL1 DEFECT. Identifiers: MedGen C3150750, MONDO:0013287, OMIM 613500.

Allele frequency attached by ClinVar (database versions not stated): TOPMed 0.00031; gnomAD 0.00038 and 0.00039; gnomAD exomes 0.00003 and 0.00006; ExAC 0.00005; ESP Exome Variant Server 0.00023; 1000 Genomes Project 0.00040; 1000 Genomes Project 30x 0.00047.
gnomAD v4.1: 97 of 1,613,916 alleles (0.006%); highest among the groups gnomAD compares: African/African-American, 0.12%; no homozygotes.

Submissions (2):

Labcorp Genetics (formerly Invitae), Labcorp
Classification: Uncertain significance for Agammaglobulinemia 2, autosomal recessive. Last evaluated: 2025-10-13. Review status: criteria provided, single submitter. Criteria: Invitae Variant Classification Sherloc (09022015). Collection method: clinical testing. Allele origin: germline.
Comment: This sequence change replaces glycine, which is neutral and non-polar, with valine, which is neutral and non-polar, at codon 153 of the IGLL1 protein (p.Gly153Val). This variant is present in population databases (rs138007109, gnomAD 0.1%), and has an allele count higher than expected for a pathogenic variant. This variant has not been reported in the literature in individuals affected with IGLL1-related conditions. ClinVar contains an entry for this variant (Variation ID: 572836). An algorithm developed to predict the effect of missense changes on protein structure and function (PolyPhen-2) suggests that this variant is likely to be disruptive. In summary, the available evidence is currently insufficient to determine the role of this variant in disease. Therefore, it has been classified as a Variant of Uncertain Significance.

Ambry Genetics
Classification: Uncertain significance. Last evaluated: 2024-07-22. Review status: criteria provided, single submitter. Criteria: Ambry Variant Classification Scheme 2023. Collection method: clinical testing. Allele origin: germline.